The following is an entry in ClinVar:

NM_002282.3(KRT83):c.114C>T (p.Arg38=)

Gene: KRT83 (keratin 83; minus strand). Cytogenetic location: 12q13.13.
Variant type: single nucleotide variant.
Coding change: c.114C>T on transcript NM_002282.3 (MANE Select); coding-DNA position 114, C replaced by T.
Protein change: p.Arg38=; no amino-acid change (arginine 38 retained).
Molecular consequence: synonymous variant.
Genome position (GRCh38, 1-based): chr12:52,321,222, G>A on the plus strand (C>T on the coding strand, the complement: KRT83 is on the minus strand). VCF-style: chr12-52321222-G-A. GRCh37 (hg19) VCF-style: chr12-52715006-G-A.
Identifiers: ClinVar variation 3047354 (VCV003047354.3), dbSNP rs558452885, ClinGen allele CA6577820.

ClinVar aggregate classification (germline): Likely benign. Review status: criteria provided, single submitter (1 of 4 stars). 2 submissions from 2 submitters: Likely benign (1). 1 of the submissions does not count toward it. Last evaluated 2025-06-16.

Conditions:
KRT83-related disorder. Also called: KRT83-related condition.

Allele frequency attached by ClinVar (database versions not stated): TOPMed 0.00009; ExAC 0.00013.

Submissions (2):

Labcorp Genetics (formerly Invitae), Labcorp
Classification: Likely benign. Last evaluated: 2025-06-16. Review status: criteria provided, single submitter. Criteria: Invitae Variant Classification Sherloc (09022015). Collection method: clinical testing. Allele origin: germline.

PreventionGenetics, part of Exact Sciences
Classification: Likely benign for KRT83-related condition. Last evaluated: 2019-02-26. Review status: no assertion criteria provided. Collection method: clinical testing. Allele origin: germline. Not counted in ClinVar's aggregate classification.
Comment: This variant is classified as likely benign based on ACMG/AMP sequence variant interpretation guidelines (Richards et al. 2015 PMID: 25741868, with internal and published modifications).